The following is an entry in ClinVar:

ClinVar aggregate classification (germline): Conflicting classifications of pathogenicity. Review status: criteria provided, conflicting classifications (1 of 4 stars). 2 submissions from 2 submitters: Uncertain significance (1); Likely benign (1). Last evaluated 2023-03-23.

Conditions:
Hereditary cancer-predisposing syndrome. Also called: Neoplastic Syndromes, Hereditary; Tumor predisposition; Hereditary Cancer Syndrome; Hereditary neoplastic syndrome. Identifiers: Orphanet 140162, MedGen C0027672, MeSH D009386, MONDO:0015356.

Submissions (2):

University of Washington Department of Laboratory Medicine, University of Washington
Classification: Likely benign for Hereditary cancer-predisposing syndrome. Last evaluated: 2023-03-23. Review status: criteria provided, single submitter. Criteria: Dines et al. (Genet Med. 2020). Collection method: curation. Allele origin: germline.
Comment: Missense variant in a coldspot region where missense variants are very unlikely to be pathogenic (PMID:31911673).

BRCA2 exon 11 coldspot. Reclassification based on statistical prior probability.

Ambry Genetics
Classification: Uncertain significance for Hereditary cancer-predisposing syndrome. Last evaluated: 2019-10-01. Review status: criteria provided, single submitter. Criteria: Ambry Variant Classification Scheme 2023. Collection method: clinical testing. Allele origin: germline.
Comment: The p.S1106I variant (also known as c.3317G>T), located in coding exon 10 of the BRCA2 gene, results from a G to T substitution at nucleotide position 3317. The serine at codon 1106 is replaced by isoleucine, an amino acid with dissimilar properties. This amino acid position is highly conserved in available vertebrate species. In addition, the in silico prediction for this alteration is inconclusive. Since supporting evidence is limited at this time, the clinical significance of this alteration remains unclear.

NM_000059.4(BRCA2):c.3317G>T (p.Ser1106Ile)

Gene: BRCA2 (BRCA2 DNA repair associated; plus strand). Cytogenetic location: 13q13.1.
Variant type: single nucleotide variant.
Coding change: c.3317G>T on transcript NM_000059.4 (MANE Select); coding-DNA position 3317, G replaced by T.
Protein change: p.Ser1106Ile; replaces serine 1106 with isoleucine.
Molecular consequence: missense variant.
Genome position (GRCh38, 1-based): chr13:32,337,672, G>T. VCF-style: chr13-32337672-G-T. GRCh37 (hg19) VCF-style: chr13-32911809-G-T.
Other names: c.3317G>T, p.Ser1106Ile (NM_001406719.1, NM_001406720.1); short protein forms S1106I.
Identifiers: ClinVar variation 1730147 (VCV001730147.4), dbSNP rs876660591, ClinGen allele CA387776224.